The following is an entry in ClinVar:

NM_001349253.2(SCN11A):c.5353A>G (p.Lys1785Glu)

Gene: SCN11A (sodium voltage-gated channel alpha subunit 11; minus strand). Cytogenetic location: 3p22.2.
Variant type: single nucleotide variant.
Coding change: c.5353A>G on transcript NM_001349253.2 (MANE Select); coding-DNA position 5353, A replaced by G.
Protein change: p.Lys1785Glu; replaces lysine 1785 with glutamic acid.
Molecular consequence: missense variant.
Genome position (GRCh38, 1-based): chr3:38,846,717, T>C on the plus strand (A>G on the coding strand, the complement: SCN11A is on the minus strand). VCF-style: chr3-38846717-T-C. GRCh37 (hg19) VCF-style: chr3-38888208-T-C.
Other names: c.5353A>G, p.Lys1785Glu (NM_014139.3); short protein forms K1785E.
Identifiers: ClinVar variation 4984045 (VCV004984045.1).

ClinVar aggregate classification (germline): Uncertain significance (1 of 4 stars; one submission).

Conditions:
SCN11A-related disorder. Also called: SCN11A-related condition.

gnomAD v4.1: 1 of 1,613,954 alleles (0.000062%); highest among the groups gnomAD compares: Admixed American, 0.0017%; no homozygotes.

Submission:

PreventionGenetics, part of Exact Sciences
Classification: Uncertain significance for SCN11A-related condition. Last evaluated: 2026-05-01. Review status: criteria provided, single submitter. Criteria: ACMG Guidelines, 2015. Collection method: clinical testing. Allele origin: germline.
Comment: The SCN11A c.5353A>G variant is predicted to result in the amino acid substitution p.Lys1785Glu. To our knowledge, this variant has not been reported in the literature or in a large population database (gnomAD), indicating this variant is rare. At this time, the clinical significance of this variant is uncertain due to the absence of conclusive functional and genetic evidence.